The following is an entry in ClinVar:

ClinVar aggregate classification (germline): Likely benign. Review status: criteria provided, multiple submitters, no conflicts (2 of 4 stars). 2 submissions from 2 submitters: Likely benign (2). Last evaluated 2025-11-18.

Submissions (2):

Labcorp Genetics (formerly Invitae), Labcorp
Classification: Likely benign. Last evaluated: 2025-11-18. Review status: criteria provided, single submitter. Criteria: Invitae Variant Classification Sherloc (09022015). Collection method: clinical testing. Allele origin: germline.

Mayo Clinic Laboratories, Mayo Clinic
Classification: Likely benign. Last evaluated: 2025-01-10. Review status: criteria provided, single submitter. Criteria: ACMG Guidelines, 2015. Collection method: clinical testing. Allele origin: germline. Observed: 1 variant allele.
Comment: BP4, BP7, PM2_supporting

NM_024747.6(HPS6):c.780G>T (p.Gly260=)

Gene: HPS6 (HPS6 biogenesis of lysosomal organelles complex 2 subunit 3; plus strand). Cytogenetic location: 10q24.32.
Variant type: single nucleotide variant.
Coding change: c.780G>T on transcript NM_024747.6 (MANE Select); coding-DNA position 780, G replaced by T.
Protein change: p.Gly260=; no amino-acid change (glycine 260 retained).
Molecular consequence: synonymous variant.
Genome position (GRCh38, 1-based): chr10:102,066,254, G>T. VCF-style: chr10-102066254-G-T. GRCh37 (hg19) VCF-style: chr10-103826011-G-T.
Other names: p.Gly260=.
Identifiers: ClinVar variation 2901326 (VCV002901326.4), dbSNP rs775416019, ClinGen allele CA471010247.
Genomic context (GRCh38, chr10:102,066,254, plus strand): 5'-TCTGAATCCTGGACGAGGGGACACATGGGACTTCCGGACCCTGCTCCGAGGCCTTCCTGG[G>T]TTGCTGTCCCCCAGGGAGCCACTGGCTGTACACACCTGGGCCCCAACTCCCCAGGGCCTG-3'
Protein context (NP_079023.2, residues 250-270): DFRTLLRGLP[Gly260=]LLSPREPLAV